The following is an entry in ClinVar:

NM_000275.3(OCA2):c.1044+5C>T

Gene: OCA2 (OCA2 melanosomal transmembrane protein; minus strand). Cytogenetic location: 15q13.1.
Variant type: single nucleotide variant.
Coding change: c.1044+5C>T on transcript NM_000275.3 (MANE Select); 5 bases into the intron after coding-DNA position 1044, C replaced by T.
Molecular consequence: intron variant.
Genome position (GRCh38, 1-based): chr15:28,014,771, G>A on the plus strand (C>T on the coding strand, the complement: OCA2 is on the minus strand). VCF-style: chr15-28014771-G-A. GRCh37 (hg19) VCF-style: chr15-28259917-G-A.
Other names: c.1044+5C>T (NM_001300984.2).
Identifiers: ClinVar variation 1347675 (VCV001347675.3), dbSNP rs372130852, ClinGen allele CA7439252.

ClinVar aggregate classification (germline): Uncertain significance (1 of 4 stars; one submission).

Allele frequency attached by ClinVar (database versions not stated): gnomAD exomes below 0.00001 and 0.00001; ExAC 0.00001; gnomAD 0.00003; TOPMed 0.00003; ESP Exome Variant Server 0.00008.
gnomAD v4.1: 5 of 1,612,102 alleles (0.00031%); highest among the groups gnomAD compares: African/African-American, 0.0067%; no homozygotes.

Submission:

Labcorp Genetics (formerly Invitae), Labcorp
Classification: Uncertain significance. Last evaluated: 2022-06-13. Review status: criteria provided, single submitter. Criteria: Invitae Variant Classification Sherloc (09022015). Collection method: clinical testing. Allele origin: germline.
Comment: This sequence change falls in intron 9 of the OCA2 gene. It does not directly change the encoded amino acid sequence of the OCA2 protein. It affects a nucleotide within the consensus splice site. This variant is present in population databases (rs372130852, gnomAD 0.01%). This variant has not been reported in the literature in individuals affected with OCA2-related conditions. Variants that disrupt the consensus splice site are a relatively common cause of aberrant splicing (PMID: 17576681, 9536098). Algorithms developed to predict the effect of sequence changes on RNA splicing suggest that this variant is not likely to affect RNA splicing. In summary, the available evidence is currently insufficient to determine the role of this variant in disease. Therefore, it has been classified as a Variant of Uncertain Significance.

Literature cited by the submitters: PubMed 17576681; PubMed 9536098.